The following is an entry in ClinVar:

NM_001177316.2(SLC34A3):c.285C>T (p.Ser95=)

Gene: SLC34A3 (solute carrier family 34 member 3; plus strand). Cytogenetic location: 9q34.3.
Variant type: single nucleotide variant.
Coding change: c.285C>T on transcript NM_001177316.2 (MANE Select); coding-DNA position 285, C replaced by T.
Protein change: p.Ser95=; no amino-acid change (serine 95 retained).
Molecular consequence: synonymous variant.
Genome position (GRCh38, 1-based): chr9:137,232,684, C>T. VCF-style: chr9-137232684-C-T. GRCh37 (hg19) VCF-style: chr9-140127136-C-T.
Other names: c.285C>T (NM_080877.2); c.285C>T, p.Ser95= (NM_001177317.2, NM_080877.3).
Identifiers: ClinVar variation 3596870 (VCV003596870.2).
Genomic context (GRCh38, chr9:137,232,684, plus strand): 5'-GGCCTGCGGGCTCCTCGGCAGCCTGTACTTCTTCATCTGCTCTCTGGACGTCCTCAGCTC[C>T]GCCTTCCAGCTGCTGGGCAGTGAGTGACGGGACGGGTGCCCAGGGCGGGGCGGGCAACCA-3'
Protein context (NP_001170787.2, residues 85-105): FFICSLDVLS[Ser95=]AFQLLGSKVA

ClinVar aggregate classification (germline): Conflicting classifications of pathogenicity. Review status: criteria provided, conflicting classifications (1 of 4 stars). 2 submissions from 2 submitters: Uncertain significance (1); Likely benign (1). Last evaluated 2025-04-28.

Conditions:
SLC34A3-related disorder. Also called: SLC34A3-related condition.
Autosomal recessive hypophosphatemic bone disease (HHRH). Also called: Hypophosphatemic rickets with hypercalciuria; HYPERCALCIURIC RICKETS. Identifiers: Orphanet 157215, MedGen C1853271, MONDO:0009431, OMIM 241530.

gnomAD v4.1: 39 of 1,612,914 alleles (0.0024%); highest among the groups gnomAD compares: South Asian, 0.035%; no homozygotes.

Submissions (2):

PreventionGenetics, part of Exact Sciences
Classification: Likely benign for SLC34A3-related condition. Last evaluated: 2025-04-28. Review status: criteria provided, single submitter. Criteria: ACMG Guidelines, 2015. Collection method: clinical testing. Allele origin: germline.
Comment: This variant is classified as likely benign based on ACMG/AMP sequence variant interpretation guidelines (Richards et al. 2015 PMID: 25741868, with internal and published modifications).

Fulgent Genetics
Classification: Uncertain significance for Autosomal recessive hypophosphatemic bone disease. Last evaluated: 2024-03-13. Review status: criteria provided, single submitter. Criteria: ACMG Guidelines, 2015. Collection method: clinical testing. Allele origin: germline.